The following is an entry in ClinVar:

NM_153766.3(KCNJ1):c.918del (p.Phe306fs)

Gene: KCNJ1 (potassium inwardly rectifying channel subfamily J member 1; minus strand). Cytogenetic location: 11q24.3.
Variant type: Deletion.
Coding change: c.918del on transcript NM_153766.3 (MANE Select); coding-DNA position 918, one base deleted (T; older notation c.918delT).
Protein change: p.Phe306fs; shifts the reading frame from phenylalanine 306.
Molecular consequence: frameshift variant.
Genome position (GRCh38, 1-based): chr11:128,839,326, A deleted on the plus strand (T on the coding strand, the reverse complement: KCNJ1 is on the minus strand); the first of 4 consecutive A bases (chr11:128,839,326-128,839,329); deleting any one gives the same sequence. VCF-style (leftmost placement, unchanged base first): chr11-128839325-CA-C. GRCh37 (hg19) VCF-style: chr11-128709220-CA-C.
Other names: c.975del, p.Phe325fs (NM_000220.6); c.918del, p.Phe306fs (NM_153764.3, NM_153767.4); c.969del, p.Phe323fs (NM_153765.3); short protein forms F323fs, F306fs, F325fs.
Identifiers: ClinVar variation 2875630 (VCV002875630.3), dbSNP rs2497567084, ClinGen allele CA2739271798.

ClinVar aggregate classification (germline): Pathogenic (1 of 4 stars; one submission).

Submission:

Labcorp Genetics (formerly Invitae), Labcorp
Classification: Pathogenic. Last evaluated: 2023-01-16. Review status: criteria provided, single submitter. Criteria: Invitae Variant Classification Sherloc (09022015). Collection method: clinical testing. Allele origin: germline.
Comment: This sequence change creates a premature translational stop signal (p.Phe325Leufs*4) in the KCNJ1 gene. While this is not anticipated to result in nonsense mediated decay, it is expected to disrupt the last 67 amino acid(s) of the KCNJ1 protein. For these reasons, this variant has been classified as Pathogenic. This variant disrupts a region of the KCNJ1 protein in which other variant(s) (p.Arg338*) have been determined to be pathogenic (PMID: 9002665, 19096086). This suggests that this is a clinically significant region of the protein, and that variants that disrupt it are likely to be disease-causing. This variant has not been reported in the literature in individuals affected with KCNJ1-related conditions. This variant is not present in population databases (gnomAD no frequency).

Literature cited by the submitters: PubMed 9002665; PubMed 19096086.